The following is an entry in ClinVar:

ClinVar aggregate classification (germline): Likely benign. Review status: criteria provided, multiple submitters, no conflicts (2 of 4 stars). 3 submissions from 3 submitters: Likely benign (3). Last evaluated 2025-05-22.

Conditions:
Hereditary cancer-predisposing syndrome. Also called: Hereditary Cancer Syndrome; Tumor predisposition; Neoplastic Syndromes, Hereditary; Hereditary neoplastic syndrome. Identifiers: Orphanet 140162, MedGen C0027672, MeSH D009386, MONDO:0015356.
Neuroblastoma, susceptibility to, 3. Also called: ALK-Related Neuroblastic Tumor Susceptibility. Identifiers: Orphanet 635, MedGen C2751681, MONDO:0013083, OMIM 613014.

Allele frequency attached by ClinVar (database versions not stated): ExAC 0.00001; gnomAD exomes 0.00001; TOPMed 0.00001.
gnomAD v4.1: 3 of 1,613,548 alleles (0.00019%); highest among the groups gnomAD compares: Admixed American, 0.0017%; no homozygotes.

Submissions (3):

Labcorp Genetics (formerly Invitae), Labcorp
Classification: Likely benign for Neuroblastoma, susceptibility to, 3. Last evaluated: 2025-05-22. Review status: criteria provided, single submitter. Criteria: Invitae Variant Classification Sherloc (09022015). Collection method: clinical testing. Allele origin: germline.

Ambry Genetics
Classification: Likely benign for Hereditary cancer-predisposing syndrome. Last evaluated: 2022-12-18. Review status: criteria provided, single submitter. Criteria: Ambry Variant Classification Scheme 2023. Collection method: clinical testing. Allele origin: germline.

GeneDx
Classification: Likely benign. Last evaluated: 2017-12-26. Review status: criteria provided, single submitter. Criteria: GeneDx Variant Classification (06012015). Collection method: clinical testing. Allele origin: germline. Affected: yes.
Comment: This variant is considered likely benign or benign based on one or more of the following criteria: it is a conservative change, it occurs at a poorly conserved position in the protein, it is predicted to be benign by multiple in silico algorithms, and/or has population frequency not consistent with disease.

NM_004304.5(ALK):c.3123C>T (p.Thr1041=)

Gene: ALK (ALK receptor tyrosine kinase; minus strand). Cytogenetic location: 2p23.2.
Variant type: single nucleotide variant.
Coding change: c.3123C>T on transcript NM_004304.5 (MANE Select); coding-DNA position 3123, C replaced by T.
Protein change: p.Thr1041=; no amino-acid change (threonine 1041 retained).
Molecular consequence: synonymous variant.
Genome position (GRCh38, 1-based): chr2:29,225,510, G>A on the plus strand (C>T on the coding strand, the complement: ALK is on the minus strand). VCF-style: chr2-29225510-G-A. GRCh37 (hg19) VCF-style: chr2-29448376-G-A.
Identifiers: ClinVar variation 514374 (VCV000514374.11), dbSNP rs773260725, ClinGen allele CA1594069.